The following is an entry in ClinVar:

ClinVar aggregate classification (germline): Uncertain significance (1 of 4 stars; one submission).

Conditions:
PKD1L1-related disorder. Also called: PKD1L1-related condition.

gnomAD v4.1: 15 of 1,613,286 alleles (0.00093%); highest among the groups gnomAD compares: Admixed American, 0.0033%; no homozygotes.

Submission:

PreventionGenetics, part of Exact Sciences
Classification: Uncertain significance for PKD1L1-related condition. Last evaluated: 2026-01-15. Review status: criteria provided, single submitter. Criteria: ACMG Guidelines, 2015. Collection method: clinical testing. Allele origin: germline.
Comment: The PKD1L1 c.3524C>T variant is predicted to result in the amino acid substitution p.Ser1175Leu. To our knowledge, this variant has not been reported in the literature. This variant is reported in 0.0058% of alleles in individuals of Latino descent in gnomAD. At this time, the clinical significance of this variant is uncertain due to the absence of conclusive functional and genetic evidence.

NM_138295.5(PKD1L1):c.3524C>T (p.Ser1175Leu)

Gene: PKD1L1 (polycystin 1 like 1, transient receptor potential channel interacting; minus strand). Cytogenetic location: 7p12.3.
Variant type: single nucleotide variant.
Coding change: c.3524C>T on transcript NM_138295.5 (MANE Select); coding-DNA position 3524, C replaced by T.
Protein change: p.Ser1175Leu; replaces serine 1175 with leucine.
Molecular consequence: missense variant.
Genome position (GRCh38, 1-based): chr7:47,877,628, G>A on the plus strand (C>T on the coding strand, the complement: PKD1L1 is on the minus strand). VCF-style: chr7-47877628-G-A. GRCh37 (hg19) VCF-style: chr7-47917226-G-A.
Other names: short protein forms S1175L.
Identifiers: ClinVar variation 4982142 (VCV004982142.1).